The following is an entry in ClinVar:

ClinVar aggregate classification (germline): Uncertain significance. Review status: criteria provided, multiple submitters, no conflicts (2 of 4 stars). 4 submissions from 4 submitters: Uncertain significance (4). Last evaluated 2026-01-12.

Conditions:
Colorectal cancer. Also called: Colorectal cancer, somatic; Malignant Colorectal Neoplasm. Identifiers: MedGen C0346629, MONDO:0005575, OMIM 114500.

Allele frequency attached by ClinVar (database versions not stated): gnomAD 0.00001.
gnomAD v4.1: 33 of 1,613,550 alleles (0.002%); highest among the groups gnomAD compares: Admixed American, 0.053%; no homozygotes.

Submissions (4):

Labcorp Genetics (formerly Invitae), Labcorp
Classification: Uncertain significance. Last evaluated: 2026-01-12. Review status: criteria provided, single submitter. Criteria: Invitae Variant Classification Sherloc (09022015). Collection method: clinical testing. Allele origin: germline.
Comment: This sequence change replaces serine, which is neutral and polar, with arginine, which is basic and polar, at codon 586 of the DLC1 protein (p.Ser586Arg). This variant is present in population databases (rs752811476, gnomAD 0.09%), and has an allele count higher than expected for a pathogenic variant. This variant has not been reported in the literature in individuals affected with DLC1-related conditions. ClinVar contains an entry for this variant (Variation ID: 3082674). An algorithm developed to predict the effect of missense changes on protein structure and function (PolyPhen-2) suggests that this variant is likely to be disruptive. In summary, the available evidence is currently insufficient to determine the role of this variant in disease. Therefore, it has been classified as a Variant of Uncertain Significance.

Fulgent Genetics
Classification: Uncertain significance for Colorectal cancer. Last evaluated: 2024-05-28. Review status: criteria provided, single submitter. Criteria: ACMG Guidelines, 2015. Collection method: clinical testing. Allele origin: germline.

Ambry Genetics
Classification: Uncertain significance. Last evaluated: 2022-07-12. Review status: criteria provided, single submitter. Criteria: Ambry Variant Classification Scheme 2023. Collection method: clinical testing. Allele origin: germline.

Blueprint Genetics
Classification: Uncertain significance. Last evaluated: 2021-10-13. Review status: criteria provided, single submitter. Criteria: ACMG Guidelines, 2015. Collection method: clinical testing. Allele origin: germline.

NM_182643.3(DLC1):c.1758C>G (p.Ser586Arg)

Gene: DLC1 (DLC1 Rho GTPase activating protein; minus strand). Cytogenetic location: 8p22.
Variant type: single nucleotide variant.
Coding change: c.1758C>G on transcript NM_182643.3 (MANE Select); coding-DNA position 1758, C replaced by G.
Protein change: p.Ser586Arg; replaces serine 586 with arginine.
Molecular consequence: missense variant.
Genome position (GRCh38, 1-based): chr8:13,100,579, G>C on the plus strand (C>G on the coding strand, the complement: DLC1 is on the minus strand). VCF-style: chr8-13100579-G-C. GRCh37 (hg19) VCF-style: chr8-12958088-G-C.
Other names: c.225C>G, p.Ser75Arg (NM_001164271.2, NM_001348082.2, NM_001348083.1 and 6 more transcripts); c.549C>G, p.Ser183Arg (NM_001316668.2, NM_001413129.1); c.1758C>G, p.Ser586Arg (NM_001348081.2, NM_001413124.1); c.540C>G, p.Ser180Arg (NM_001413130.1); c.198C>G, p.Ser66Arg (NM_001413131.1, NM_001413137.1); c.684C>G, p.Ser228Arg (NM_001413132.1); c.447C>G, p.Ser149Arg (NM_001413135.1, NM_001413136.1, NM_001413139.1 and 1 more transcripts); c.582C>G, p.Ser194Arg (NM_001413140.1); short protein forms S183R, S66R, S149R, S194R, S75R, S228R, S586R, S180R.
Identifiers: ClinVar variation 3082674 (VCV003082674.5), dbSNP rs752811476, ClinGen allele CA4638822.